The following is an entry in ClinVar:

ClinVar aggregate classification (germline): Uncertain significance (1 of 4 stars; one submission).

Submission:

Labcorp Genetics (formerly Invitae), Labcorp
Classification: Uncertain significance. Last evaluated: 2022-09-06. Review status: criteria provided, single submitter. Criteria: Invitae Variant Classification Sherloc (09022015). Collection method: clinical testing. Allele origin: germline.
Comment: ClinVar contains an entry for this variant (Variation ID: 946925). This sequence change replaces histidine, which is basic and polar, with leucine, which is neutral and non-polar, at codon 282 of the POGLUT1 protein (p.His282Leu). This variant is not present in population databases (gnomAD no frequency). This variant has not been reported in the literature in individuals affected with POGLUT1-related conditions. Algorithms developed to predict the effect of missense changes on protein structure and function are either unavailable or do not agree on the potential impact of this missense change (SIFT: "Not Available"; PolyPhen-2: "Possibly Damaging"; Align-GVGD: "Not Available"). In summary, the available evidence is currently insufficient to determine the role of this variant in disease. Therefore, it has been classified as a Variant of Uncertain Significance.

NM_152305.3(POGLUT1):c.845A>T (p.His282Leu)

Gene: POGLUT1 (protein O-glucosyltransferase 1; plus strand). Cytogenetic location: 3q13.33.
Variant type: single nucleotide variant.
Coding change: c.845A>T on transcript NM_152305.3 (MANE Select); coding-DNA position 845, A replaced by T.
Protein change: p.His282Leu; replaces histidine 282 with leucine.
Molecular consequence: missense variant. On other transcripts: non-coding transcript variant (1).
Genome position (GRCh38, 1-based): chr3:119,490,598, A>T. VCF-style: chr3-119490598-A-T. GRCh37 (hg19) VCF-style: chr3-119209445-A-T.
Other names: short protein forms H282L.
Identifiers: ClinVar variation 946925 (VCV000946925.9), dbSNP rs2081732162, ClinGen allele CA354047167.